The following is an entry in ClinVar:

NM_002294.3(LAMP2):c.865-13C>T

Gene: LAMP2 (lysosomal associated membrane protein 2; minus strand). Cytogenetic location: Xq24.
Variant type: single nucleotide variant.
Coding change: c.865-13C>T on transcript NM_002294.3 (MANE Select); 13 bases into the intron before coding-DNA position 865, C replaced by T.
Molecular consequence: intron variant.
Genome position (GRCh38, 1-based): chrX:120,442,675, G>A on the plus strand (C>T on the coding strand, the complement: LAMP2 is on the minus strand). VCF-style: chrX-120442675-G-A. GRCh37 (hg19) VCF-style: chrX-119576530-G-A.
Other names: c.865-13C>T (NM_001122606.1, NM_013995.2).
Identifiers: ClinVar variation 509385 (VCV000509385.1), dbSNP rs760238519, ClinGen allele CA10505240.
Genomic context (GRCh38, chrX:120,442,675, plus strand): 5'-ATACATGCTGATGTTCACTTCCTTCAGATAAAATCGGTTTTCATTTTTCTGTTTGAAAAA[G>A]AGCTTCCAGTTAATTAACATTTCACAACTGTCTACAGATAACAGATACGGTTAATACCCA-3'

ClinVar aggregate classification (germline): Likely benign (1 of 4 stars; one submission).

Allele frequency attached by ClinVar (database versions not stated): ExAC 0.00001.

Submission:

GeneDx
Classification: Likely benign. Last evaluated: 2017-05-04. Review status: criteria provided, single submitter. Criteria: GeneDx Variant Classification (06012015). Collection method: clinical testing. Allele origin: germline. Affected: yes.
Comment: This variant is considered likely benign or benign based on one or more of the following criteria: it is a conservative change, it occurs at a poorly conserved position in the protein, it is predicted to be benign by multiple in silico algorithms, and/or has population frequency not consistent with disease.